The following is an entry in ClinVar:

NM_002437.5(MPV17):c.360G>A (p.Trp120Ter)

Gene: MPV17 (mitochondrial inner membrane protein MPV17; minus strand). Cytogenetic location: 2p23.3.
Variant type: single nucleotide variant.
Coding change: c.360G>A on transcript NM_002437.5 (MANE Select); coding-DNA position 360, G replaced by A.
Protein change: p.Trp120Ter; replaces tryptophan 120 with a stop codon.
Molecular consequence: nonsense.
Genome position (GRCh38, 1-based): chr2:27,312,509, C>T on the plus strand (G>A on the coding strand, the complement: MPV17 is on the minus strand). VCF-style: chr2-27312509-C-T. GRCh37 (hg19) VCF-style: chr2-27535376-C-T.
Other names: short protein forms W120*.
Identifiers: ClinVar variation 2812985 (VCV002812985.3), dbSNP rs2465681627, ClinGen allele CA346207854.
Genomic context (GRCh38, chr2:27,312,509, plus strand): 5'-GTCAGCCCGCCAGCCAGAGACATTCTCCACACCTGCCCAGCTCACCCGCTGTAGTTTGGC[C>T]CAGTTGTCCTGGGCTGACAGTCCATTAAGTGCCCCTACCAGTGGGAGAAAGCAGCCTAGA-3'

ClinVar aggregate classification (germline): Pathogenic (1 of 4 stars; one submission).

Submission:

Labcorp Genetics (formerly Invitae), Labcorp
Classification: Pathogenic. Last evaluated: 2022-11-08. Review status: criteria provided, single submitter. Criteria: Invitae Variant Classification Sherloc (09022015). Collection method: clinical testing. Allele origin: germline.
Comment: For these reasons, this variant has been classified as Pathogenic. This premature translational stop signal has been observed in individual(s) with mitochondrial DNA depletion syndrome (PMID: 18695062). This variant is not present in population databases (gnomAD no frequency). This sequence change creates a premature translational stop signal (p.Trp120*) in the MPV17 gene. It is expected to result in an absent or disrupted protein product. Loss-of-function variants in MPV17 are known to be pathogenic (PMID: 23714749).

Literature cited by the submitters: PubMed 18695062; PubMed 23714749.